The following is an entry in ClinVar:

ClinVar aggregate classification (germline): Uncertain significance. Review status: criteria provided, multiple submitters, no conflicts (2 of 4 stars). 2 submissions from 2 submitters: Uncertain significance (2). Last evaluated 2025-08-29.

Allele frequency attached by ClinVar (database versions not stated): TOPMed 0.00001; ExAC 0.00003.
gnomAD v4.1: 9 of 1,573,990 alleles (0.00057%); highest among the groups gnomAD compares: Non-Finnish European, 0.00077%; no homozygotes.

Submissions (2):

Ambry Genetics
Classification: Uncertain significance. Last evaluated: 2025-08-29. Review status: criteria provided, single submitter. Criteria: Ambry Variant Classification Scheme 2023. Collection method: clinical testing. Allele origin: germline.

Labcorp Genetics (formerly Invitae), Labcorp
Classification: Uncertain significance. Last evaluated: 2023-08-14. Review status: criteria provided, single submitter. Criteria: Invitae Variant Classification Sherloc (09022015). Collection method: clinical testing. Allele origin: germline.
Comment: This variant has not been reported in the literature in individuals affected with CLPX-related conditions. An algorithm developed to predict the effect of missense changes on protein structure and function (PolyPhen-2) suggests that this variant is likely to be tolerated. The frequency data for this variant in the population databases is considered unreliable, as metrics indicate poor data quality at this position in the gnomAD database. In summary, the available evidence is currently insufficient to determine the role of this variant in disease. Therefore, it has been classified as a Variant of Uncertain Significance. This sequence change replaces serine, which is neutral and polar, with alanine, which is neutral and non-polar, at codon 19 of the CLPX protein (p.Ser19Ala).

NM_006660.5(CLPX):c.55T>G (p.Ser19Ala)

Gene: CLPX (caseinolytic mitochondrial matrix peptidase chaperone subunit X; minus strand). Cytogenetic location: 15q22.31.
Variant type: single nucleotide variant.
Coding change: c.55T>G on transcript NM_006660.5 (MANE Select); coding-DNA position 55, T replaced by G.
Protein change: p.Ser19Ala; replaces serine 19 with alanine.
Molecular consequence: missense variant. On other transcripts: non-coding transcript variant (1).
Genome position (GRCh38, 1-based): chr15:65,185,099, A>C on the plus strand (T>G on the coding strand, the complement: CLPX is on the minus strand). VCF-style: chr15-65185099-A-C. GRCh37 (hg19) VCF-style: chr15-65477437-A-C.
Other names: c.55T>G (NM_006660.3); short protein forms S19A.
Identifiers: ClinVar variation 2963432 (VCV002963432.4), dbSNP rs765582146, ClinGen allele CA7615020.